The following is an entry in ClinVar:

NM_018082.6(POLR3B):c.3286A>G (p.Lys1096Glu)

Genes: POLR3B (RNA polymerase III subunit B; plus strand), LOC100287944 (uncharacterized LOC100287944; minus strand). Cytogenetic location: 12q23.3.
Variant type: single nucleotide variant.
Coding change: c.3286A>G on transcript NM_018082.6 (MANE Select); coding-DNA position 3286, A replaced by G.
Protein change: p.Lys1096Glu; replaces lysine 1096 with glutamic acid.
Molecular consequence: missense variant.
Genome position (GRCh38, 1-based): chr12:106,509,433, A>G. VCF-style: chr12-106509433-A-G. GRCh37 (hg19) VCF-style: chr12-106903211-A-G.
Other names: c.3112A>G, p.Lys1038Glu (NM_001160708.2); short protein forms K1038E, K1096E.
Identifiers: ClinVar variation 3602854 (VCV003602854.1).

ClinVar aggregate classification (germline): Uncertain significance (1 of 4 stars; one submission).

Submission:

GeneDx
Classification: Uncertain significance. Last evaluated: 2024-08-10. Review status: criteria provided, single submitter. Criteria: GeneDx Variant Classification Process June 2021. Collection method: clinical testing. Allele origin: germline. Affected: yes.
Comment: Not observed at significant frequency in large population cohorts (gnomAD); In silico analysis supports that this missense variant has a deleterious effect on protein structure/function; Has not been previously published as pathogenic or benign to our knowledge